The following is an entry in ClinVar:

ClinVar aggregate classification (germline): Conflicting classifications of pathogenicity. Review status: criteria provided, conflicting classifications (1 of 4 stars). 20 submissions from 18 submitters: Uncertain significance (3); Benign (6); Likely benign (7). 4 of the submissions do not count toward it. Last evaluated 2026-09-01.

Conditions:
DSP-related disorder. Also called: DSP-related condition; DSP-related disorders.
Cardiovascular phenotype. Identifiers: MedGen CN230736.
Arrhythmogenic cardiomyopathy with wooly hair and keratoderma. Also called: Carvajal syndrome; Dilated cardiomyopathy with woolly hair and keratoderma; Arrhythmogenic cardiomyopathy with woolly hair and keratoderma; PALMOPLANTAR KERATODERMA WITH LEFT VENTRICULAR CARDIOMYOPATHY AND WOOLLY HAIR. Identifiers: Orphanet 65282, MedGen C1854063, MONDO:0011581, OMIM 605676.
Arrhythmogenic right ventricular dysplasia 8 (ARVD8). Also called: Arrhythmogenic Right Ventricular Dysplasia/Cardiomyopathy 8; ARRHYTHMOGENIC RIGHT VENTRICULAR DYSPLASIA, FAMILIAL, 8; ARRHYTHMOGENIC RIGHT VENTRICULAR CARDIOMYOPATHY 8. Identifiers: MedGen C1843896, MONDO:0011831, OMIM 607450.
Cardiomyopathy (CMYO). Also called: Cardiomyopathies. Identifiers: Orphanet 167848, MedGen C0878544, MONDO:0004994, HP:0001638. Inheritance: Various modes of inheritance.
Woolly hair-skin fragility syndrome (WHSF). Identifiers: Orphanet 293165, MedGen C1843292, MONDO:0957307, OMIM 620415.
Lethal acantholytic epidermolysis bullosa (EBLA). Identifiers: Orphanet 158687, MedGen C1864826, MONDO:0012323, OMIM 609638.

Allele frequency attached by ClinVar (database versions not stated): ESP Exome Variant Server 0.00038; gnomAD exomes 0.00039; 1000 Genomes Project 30x 0.00094; gnomAD 0.00046; 1000 Genomes Project 0.00080; TOPMed 0.00051.
gnomAD v4.1: 696 of 1,614,146 alleles (0.043%); highest among the groups gnomAD compares: Middle Eastern, 0.41%; 5 homozygotes.

Submissions (20):

CeGaT Center for Human Genetics Tuebingen
Classification: Likely benign. Last evaluated: 2026-09-01. Review status: criteria provided, single submitter. Criteria: CeGaT Center For Human Genetics Tuebingen Variant Classification Criteria Version 2. Collection method: clinical testing. Allele origin: germline. Affected: yes. Observed: 37 variant alleles.
Comment: DSP: BP4, BP7

Labcorp Genetics (formerly Invitae), Labcorp
Classification: Benign for Arrhythmogenic cardiomyopathy with wooly hair and keratoderma; Arrhythmogenic right ventricular dysplasia 8. Last evaluated: 2026-01-27. Review status: criteria provided, single submitter. Criteria: Invitae Variant Classification Sherloc (09022015). Collection method: clinical testing. Allele origin: germline.

Mayo Clinic Laboratories, Mayo Clinic
Classification: Likely benign. Last evaluated: 2025-04-19. Review status: criteria provided, single submitter. Criteria: ACMG Guidelines, 2015. Collection method: clinical testing. Allele origin: germline. Observed: 3 variant alleles.
Comment: BS1, BP4, BP7

Molecular Diagnostic Laboratory for Inherited Cardiovascular Disease, Montreal Heart Institute
Classification: Benign. Last evaluated: 2025-04-09. Review status: criteria provided, single submitter. Criteria: ACMG Guidelines, 2015. Collection method: clinical testing. Allele origin: germline. Affected: no.

Blueprint Genetics
Classification: Likely benign. Last evaluated: 2024-11-20. Review status: criteria provided, single submitter. Criteria: ACMG Guidelines, 2015. Collection method: clinical testing. Allele origin: germline.

ARUP Laboratories, Molecular Genetics and Genomics, ARUP Laboratories
Classification: Likely benign. Last evaluated: 2024-10-29. Review status: criteria provided, single submitter. Criteria: ARUP Molecular Germline Variant Investigation Process 2024. Collection method: clinical testing. Allele origin: germline.

All of Us Research Program, National Institutes of Health
Classification: Benign for Arrhythmogenic cardiomyopathy with wooly hair and keratoderma. Last evaluated: 2024-02-05. Review status: criteria provided, single submitter. Criteria: ACMG Guidelines, 2015. Collection method: clinical testing. Allele origin: germline. Inheritance: Autosomal dominant inheritance. Observed: 156 variant alleles, 156 heterozygotes.
Comment: This study involves interpretation of variants in research participants for the purpose of population health screening. Participant phenotype was not available at the time of variant classification. Additional details can be found in publication PMID: 35346344, PMCID: PMC8962531

CHEO Genetics Diagnostic Laboratory, Children's Hospital of Eastern Ontario
Classification: Likely benign for Cardiomyopathy. Last evaluated: 2023-01-10. Review status: criteria provided, single submitter. Criteria: ACMG Guidelines, 2015. Collection method: clinical testing. Allele origin: germline. Study: Canadian Open Genetics Repository.

Women's Health and Genetics/Laboratory Corporation of America, LabCorp
Classification: Benign. Last evaluated: 2020-07-25. Review status: criteria provided, single submitter. Criteria: LabCorp Variant Classification Summary - May 2015. Collection method: clinical testing. Allele origin: germline.

Color Diagnostics, LLC DBA Color Health
Classification: Benign for Cardiomyopathy. Last evaluated: 2018-06-11. Review status: criteria provided, single submitter. Criteria: ACMG Guidelines, 2015. Collection method: clinical testing. Allele origin: germline.

Illumina Laboratory Services, Illumina
Classification: Uncertain significance for Arrhythmogenic cardiomyopathy with wooly hair and keratoderma. Last evaluated: 2018-01-12. Review status: criteria provided, single submitter. Criteria: ICSL Variant Classification Criteria 13 December 2019. Collection method: clinical testing. Allele origin: germline.

Illumina Laboratory Services, Illumina
Classification: Uncertain significance for Arrhythmogenic right ventricular dysplasia 8. Last evaluated: 2018-01-12. Review status: criteria provided, single submitter. Criteria: ICSL Variant Classification Criteria 13 December 2019. Collection method: clinical testing. Allele origin: germline.

Illumina Laboratory Services, Illumina
Classification: Uncertain significance for Lethal acantholytic epidermolysis bullosa. Last evaluated: 2018-01-12. Review status: criteria provided, single submitter. Criteria: ICSL Variant Classification Criteria 13 December 2019. Collection method: clinical testing. Allele origin: germline.

Ambry Genetics
Classification: Likely benign for Cardiovascular phenotype. Last evaluated: 2015-10-12. Review status: criteria provided, single submitter. Criteria: Ambry Variant Classification Scheme 2023. Collection method: clinical testing. Allele origin: germline.

Laboratory for Molecular Medicine, Mass General Brigham Personalized Medicine
Classification: Likely benign. Last evaluated: 2015-03-06. Review status: criteria provided, single submitter. Criteria: LMM Criteria. Collection method: clinical testing. Allele origin: germline. Observed: 7 variant alleles.
Comment: p.Thr2767Thr in exon 24 of DSP: This variant is not expected to have clinical si gnificance because it does not alter an amino acid residue and is not located wi thin the splice consensus sequence. It has been identified in 0.1% (55/66560) of European chromosomes by the Exome Aggregation Consortium (ExAC; dbSNP rs145362059).

GeneDx
Classification: Benign. Last evaluated: 2014-10-09. Review status: criteria provided, single submitter. Criteria: GeneDx Variant Classification (06012015). Collection method: clinical testing. Allele origin: germline. Affected: yes.
Comment: This variant is considered likely benign or benign based on one or more of the following criteria: it is a conservative change, it occurs at a poorly conserved position in the protein, it is predicted to be benign by multiple in silico algorithms, and/or has population frequency not consistent with disease.

PreventionGenetics, part of Exact Sciences
Classification: Likely benign for DSP-related condition. Last evaluated: 2024-08-21. Review status: no assertion criteria provided. Collection method: clinical testing. Allele origin: germline. Not counted in ClinVar's aggregate classification.
Comment: This variant is classified as likely benign based on ACMG/AMP sequence variant interpretation guidelines (Richards et al. 2015 PMID: 25741868, with internal and published modifications).

Clinical Genetics DNA and cytogenetics Diagnostics Lab, Erasmus MC, Erasmus Medical Center
Classification: Likely benign. Review status: no assertion criteria provided. Collection method: clinical testing. Allele origin: germline. Affected: yes. Study: VKGL Data-share Consensus. Not counted in ClinVar's aggregate classification.

Clinical Genetics, Academic Medical Center
Classification: Benign. Review status: no assertion criteria provided. Collection method: clinical testing. Allele origin: germline. Affected: yes. Study: VKGL Data-share Consensus. Not counted in ClinVar's aggregate classification.

Joint Genome Diagnostic Labs from Nijmegen and Maastricht, Radboudumc and MUMC+
Classification: Likely benign. Review status: no assertion criteria provided. Collection method: clinical testing. Allele origin: germline. Affected: yes. Study: VKGL Data-share Consensus. Not counted in ClinVar's aggregate classification.

NM_004415.4(DSP):c.8301C>G (p.Thr2767=)

Gene: DSP (desmoplakin; plus strand). Cytogenetic location: 6p24.3.
Variant type: single nucleotide variant.
Coding change: c.8301C>G on transcript NM_004415.4 (MANE Select); coding-DNA position 8301, C replaced by G.
Protein change: p.Thr2767=; no amino-acid change (threonine 2767 retained).
Molecular consequence: synonymous variant.
Genome position (GRCh38, 1-based): chr6:7,585,563, C>G. VCF-style: chr6-7585563-C-G. GRCh37 (hg19) VCF-style: chr6-7585796-C-G.
Other names: p.T2767T:ACC>ACG; p.Thr2767=; c.6504C>G, p.Thr2168= (NM_001008844.3); c.6972C>G, p.Thr2324= (NM_001319034.2).
Identifiers: ClinVar variation 36025 (VCV000036025.75), dbSNP rs145362059, ClinGen allele CA007457.